The following is an entry in ClinVar:

ClinVar aggregate classification (germline): Uncertain significance. Review status: criteria provided, multiple submitters, no conflicts (2 of 4 stars). 2 submissions from 2 submitters: Uncertain significance (2). Last evaluated 2024-12-02.

Conditions:
Inborn genetic diseases. Identifiers: MedGen C0950123, MeSH D030342.

gnomAD v4.1: 3 of 1,613,924 alleles (0.00019%); highest among the groups gnomAD compares: Non-Finnish European, 0.00025%; no homozygotes.

Submissions (2):

Ambry Genetics
Classification: Uncertain significance for Inborn genetic diseases. Last evaluated: 2024-12-02. Review status: criteria provided, single submitter. Criteria: Ambry Variant Classification Scheme 2023. Collection method: clinical testing. Allele origin: germline.
Comment: The p.R632I variant (also known as c.1895G>T), located in coding exon 1 of the SAMD9L gene, results from a G to T substitution at nucleotide position 1895. The arginine at codon 632 is replaced by isoleucine, an amino acid with similar properties. This amino acid position is conserved. In addition, this alteration is predicted to be tolerated by in silico analysis. Based on the available evidence, the clinical significance of this variant remains unclear.

Labcorp Genetics (formerly Invitae), Labcorp
Classification: Uncertain significance. Last evaluated: 2022-02-28. Review status: criteria provided, single submitter. Criteria: Invitae Variant Classification Sherloc (09022015). Collection method: clinical testing. Allele origin: germline.
Comment: In summary, the available evidence is currently insufficient to determine the role of this variant in disease. Therefore, it has been classified as a Variant of Uncertain Significance. Algorithms developed to predict the effect of missense changes on protein structure and function are either unavailable or do not agree on the potential impact of this missense change (SIFT: "Not Available"; PolyPhen-2: "Benign"; Align-GVGD: "Not Available"). This variant has not been reported in the literature in individuals affected with SAMD9L-related conditions. This variant is present in population databases (no rsID available, gnomAD 0.0009%). This sequence change replaces arginine, which is basic and polar, with isoleucine, which is neutral and non-polar, at codon 632 of the SAMD9L protein (p.Arg632Ile).

NM_152703.5(SAMD9L):c.1895G>T (p.Arg632Ile)

Gene: SAMD9L (sterile alpha motif domain containing 9 like; minus strand). Cytogenetic location: 7q21.2.
Variant type: single nucleotide variant.
Coding change: c.1895G>T on transcript NM_152703.5 (MANE Select); coding-DNA position 1895, G replaced by T.
Protein change: p.Arg632Ile; replaces arginine 632 with isoleucine.
Molecular consequence: missense variant.
Genome position (GRCh38, 1-based): chr7:93,134,077, C>A on the plus strand (G>T on the coding strand, the complement: SAMD9L is on the minus strand). VCF-style: chr7-93134077-C-A. GRCh37 (hg19) VCF-style: chr7-92763390-C-A.
Other names: c.1895G>T, p.Arg632Ile (NM_001303496.3, NM_001303497.3, NM_001303498.3 and 5 more transcripts); c.1895G>T (NM_152703.2); short protein forms R632I.
Identifiers: ClinVar variation 2104186 (VCV002104186.5), dbSNP rs752559764, ClinGen allele CA368194145.
Genomic context (GRCh38, chr7:93,134,077, plus strand): 5'-ACATCCTCTTTCTTTTTCTCTAGGATAACTGAAGAAGATCCACGGGCGGGCAAAAACCTT[C>A]TTGATGACCGAGTCACCGATTTTAGTTTAAGGATAGTGCTGTTTACCAGTTCTATATTTA-3'
Protein context (NP_689916.2, residues 622-642): LKLKSVTRSS[Arg632Ile]RFLPARGSSS